The following is an entry in ClinVar:

NM_001126108.2(SLC12A3):c.1763C>A (p.Ala588Glu)

Gene: SLC12A3 (solute carrier family 12 member 3; plus strand). Cytogenetic location: 16q13.
Variant type: single nucleotide variant.
Coding change: c.1763C>A on transcript NM_001126108.2 (MANE Select); coding-DNA position 1763, C replaced by A.
Protein change: p.Ala588Glu; replaces alanine 588 with glutamic acid.
Molecular consequence: missense variant.
Genome position (GRCh38, 1-based): chr16:56,884,142, C>A. VCF-style: chr16-56884142-C-A. GRCh37 (hg19) VCF-style: chr16-56918054-C-A.
Other names: c.1763C>A, p.Ala588Glu (NM_000339.3); c.1760C>A, p.Ala587Glu (NM_001126107.2, NM_001410896.1); c.1763C>A (NM_000339.2); short protein forms A588E, A587E.
Identifiers: ClinVar variation 2137825 (VCV002137825.8), dbSNP rs121909382, ClinGen allele CA8069597.

ClinVar aggregate classification (germline): Likely pathogenic. Review status: criteria provided, multiple submitters, no conflicts (2 of 4 stars). 5 submissions from 5 submitters: Likely pathogenic (5). Last evaluated 2025-07-09.

Conditions:
SLC12A3-related disorder. Also called: SLC12A3-related condition.
Familial hypokalemia-hypomagnesemia (GTLMNS). Also called: POTASSIUM AND MAGNESIUM DEPLETION; HYPOMAGNESEMIA-HYPOKALEMIA, PRIMARY RENOTUBULAR, WITH HYPOCALCIURIA; gitelman syndrome. Identifiers: Orphanet 358, MedGen C0268450, MONDO:0009904, OMIM 263800.

Submissions (5):

First Genomix Gene Laboratory, Genetic Diagnostics Department
Classification: Likely pathogenic for Familial hypokalemia-hypomagnesemia. Last evaluated: 2025-07-09. Review status: criteria provided, single submitter. Criteria: ACMG Guidelines, 2015. Collection method: clinical testing. Allele origin: germline. Inheritance: Autosomal recessive inheritance. Affected: no. Observed: 1 variant allele.

Labcorp Genetics (formerly Invitae), Labcorp
Classification: Likely pathogenic. Last evaluated: 2025-01-21. Review status: criteria provided, single submitter. Criteria: Invitae Variant Classification Sherloc (09022015). Collection method: clinical testing. Allele origin: germline.
Comment: This sequence change replaces alanine, which is neutral and non-polar, with glutamic acid, which is acidic and polar, at codon 588 of the SLC12A3 protein (p.Ala588Glu). This variant is present in population databases (rs121909382, gnomAD 0.002%). This missense change has been observed in individual(s) with Gitelman syndrome (PMID: 23328711). ClinVar contains an entry for this variant (Variation ID: 2137825). Invitae Evidence Modeling of protein sequence and biophysical properties (such as structural, functional, and spatial information, amino acid conservation, physicochemical variation, residue mobility, and thermodynamic stability) indicates that this missense variant is expected to disrupt SLC12A3 protein function with a positive predictive value of 95%. This variant disrupts the p.Ala588 amino acid residue in SLC12A3. Other variant(s) that disrupt this residue have been determined to be pathogenic (PMID: 17329572, 23328711). This suggests that this residue is clinically significant, and that variants that disrupt this residue are likely to be disease-causing. In summary, the currently available evidence indicates that the variant is pathogenic, but additional data are needed to prove that conclusively. Therefore, this variant has been classified as Likely Pathogenic.

Natera, Inc.
Classification: Likely pathogenic for Gitelman syndrome. Last evaluated: 2024-11-07. Review status: criteria provided, single submitter. Criteria: Natera Variant Classification Schema (03/2026). Collection method: clinical testing. Allele origin: germline.
Comment: The c.1763C>A variant in SLC12A3 is a missense variant predicted to cause substitution of alanine to glutamic acid at amino acid 588. This variant is rare in the general population with a frequency below the threshold expected for the associated phenotype(s). This variant has been observed in one or more individuals affected with the associated recessive disease, as either homozygous or compound heterozygous with a second variant (PMID: 23328711). A different variant at the same position has been determined to be Pathogenic or Likely Pathogenic. Computational prediction algorithms indicate this variant is likely to affect gene or protein function. Given the available evidence, this variant is classified as Likely Pathogenic.

Fulgent Genetics
Classification: Likely pathogenic for Familial hypokalemia-hypomagnesemia. Last evaluated: 2024-03-19. Review status: criteria provided, single submitter. Criteria: ACMG Guidelines, 2015. Collection method: clinical testing. Allele origin: germline.

Blueprint Genetics
Classification: Likely pathogenic for SLC12A3-related disorders. Last evaluated: 2021-09-17. Review status: criteria provided, single submitter. Criteria: ACMG Guidelines, 2015. Collection method: clinical testing. Allele origin: germline. Affected: yes. Observed: 2 variant alleles.

Literature cited by the submitters: PubMed 23328711 (cited by Labcorp Genetics (formerly Invitae), Labcorp and Natera, Inc.); PubMed 17329572 (cited by Labcorp Genetics (formerly Invitae), Labcorp).